The following is an entry in ClinVar:

NM_173660.5(DOK7):c.1378del (p.Gln460fs)

Gene: DOK7 (docking protein 7; plus strand). Cytogenetic location: 4p16.3.
Variant type: Deletion.
Coding change: c.1378del on transcript NM_173660.5 (MANE Select); coding-DNA position 1378, one base deleted (C; older notation c.1378delC).
Protein change: p.Gln460fs; shifts the reading frame from glutamine 460.
Molecular consequence: frameshift variant. On other transcripts: 3 prime UTR variant (1).
Genome position (GRCh38, 1-based): chr4:3,493,364, C deleted; the last of 6 consecutive C bases (chr4:3,493,359-3,493,364); deleting any one gives the same sequence. VCF-style (leftmost placement, unchanged base first): chr4-3493358-GC-G. GRCh37 (hg19) VCF-style: chr4-3495085-GC-G.
Other names: c.*599del (NM_001164673.2); c.448del, p.Gln150fs (NM_001256896.2); c.1378del, p.Gln460fs (NM_001301071.2); c.946del, p.Gln316fs (NM_001363811.2); short protein forms Q150fs, Q316fs, Q460fs.
Identifiers: ClinVar variation 2674884 (VCV002674884.4), dbSNP rs606231133, ClinGen allele CA549706293.
Genomic context (GRCh38, chr4:3,493,358, plus strand): 5'-ACGTCCGCCGGGTGTCCCTCTGGCTGGCTGGGCACGAGACGGCGGGGCCTGGTGATGGAG[GC>G]CCCCCAGGGCAGCGAGGCCACACTGCCTGGCCCTGCCCCTGGCGAGCCCTGGGAAGCAGG-3'

ClinVar aggregate classification (germline): Pathogenic. Review status: criteria provided, multiple submitters, no conflicts (2 of 4 stars). 2 submissions from 2 submitters: Pathogenic (2). Last evaluated 2024-09-30.

Conditions:
Fetal akinesia deformation sequence 1 (FADS1). Also called: Pena-Shokeir syndrome type I; Fetal akinesia sequence. Identifiers: Orphanet 994, MedGen C1276035, MONDO:0100101, OMIM 208150, HP:0001989.
Congenital myasthenic syndrome 10. Also called: Myasthenia, limb-girdle, familial. Identifiers: Orphanet 590, MedGen C1850792, MONDO:0009690, OMIM 254300.
Fetal akinesia deformation sequence 3. Identifiers: MedGen C4760599, MONDO:0100103, OMIM 618389.

Submissions (2):

Labcorp Genetics (formerly Invitae), Labcorp
Classification: Pathogenic for Congenital myasthenic syndrome 10; Fetal akinesia deformation sequence 1. Last evaluated: 2024-09-30. Review status: criteria provided, single submitter. Criteria: Invitae Variant Classification Sherloc (09022015). Collection method: clinical testing. Allele origin: germline.
Comment: This sequence change creates a premature translational stop signal (p.Gln460Argfs*41) in the DOK7 gene. While this is not anticipated to result in nonsense mediated decay, it is expected to disrupt the last 45 amino acid(s) of the DOK7 protein. This variant is present in population databases (no rsID available, gnomAD 0.01%). This variant has not been reported in the literature in individuals affected with DOK7-related conditions. This variant disrupts a region of the DOK7 protein in which other variant(s) (p.Pro486Argfs*15) have been determined to be pathogenic (PMID: 29118959). This suggests that this is a clinically significant region of the protein, and that variants that disrupt it are likely to be disease-causing. For these reasons, this variant has been classified as Pathogenic.

Baylor Genetics
Classification: Pathogenic for Fetal akinesia deformation sequence 3. Last evaluated: 2023-03-29. Review status: criteria provided, single submitter. Criteria: ACMG Guidelines, 2015. Collection method: clinical testing. Allele origin: unknown.

Literature cited by the submitters: PubMed 29118959 (cited by Labcorp Genetics (formerly Invitae), Labcorp).